The following is an entry in ClinVar:

ClinVar aggregate classification (germline): Uncertain significance. Review status: criteria provided, multiple submitters, no conflicts (2 of 4 stars). 2 submissions from 2 submitters: Uncertain significance (2). Last evaluated 2026-08-13.

Conditions:
Inborn genetic diseases. Identifiers: MedGen C0950123, MeSH D030342.

Allele frequency attached by ClinVar (database versions not stated): gnomAD exomes 0.00002 and 0.00005; ExAC 0.00004; TOPMed 0.00002; 1000 Genomes Project 0.00020; gnomAD 0.00001; 1000 Genomes Project 30x 0.00031.
gnomAD v4.1: 12 of 1,614,168 alleles (0.00074%); highest among the groups gnomAD compares: Admixed American, 0.018%; no homozygotes.

Submissions (2):

Ambry Genetics
Classification: Uncertain significance for Inborn genetic diseases. Last evaluated: 2026-08-13. Review status: criteria provided, single submitter. Criteria: Ambry Variant Classification Scheme 2023. Collection method: clinical testing. Allele origin: germline.
Comment: The c.1664C>T (p.T555I) alteration is located in exon 12 (coding exon 12) of the UNC45A gene. This alteration results from a C to T substitution at nucleotide position 1664, causing the threonine (T) at amino acid position 555 to be replaced by an isoleucine (I). Based on data from gnomAD, the T allele has an overall frequency of 0.005% (13/251438) total alleles studied. The highest observed frequency was 0.035% (12/34584) of Latino alleles. Based on insufficient or conflicting evidence, the clinical significance of this alteration remains unclear.

Labcorp Genetics (formerly Invitae), Labcorp
Classification: Uncertain significance. Last evaluated: 2021-08-08. Review status: criteria provided, single submitter. Criteria: Invitae Variant Classification Sherloc (09022015). Collection method: clinical testing. Allele origin: germline.
Comment: This sequence change replaces threonine with isoleucine at codon 555 of the UNC45A protein (p.Thr555Ile). The threonine residue is highly conserved and there is a moderate physicochemical difference between threonine and isoleucine. This variant is present in population databases (rs200413252, ExAC 0.04%). This variant has not been reported in the literature in individuals affected with UNC45A-related conditions. Algorithms developed to predict the effect of missense changes on protein structure and function are either unavailable or do not agree on the potential impact of this missense change (SIFT: "Not Available"; PolyPhen-2: "Probably Damaging"; Align-GVGD: "Not Available"). In summary, the available evidence is currently insufficient to determine the role of this variant in disease. Therefore, it has been classified as a Variant of Uncertain Significance.

NM_018671.5(UNC45A):c.1664C>T (p.Thr555Ile)

Gene: UNC45A (unc-45 myosin chaperone A; plus strand). Cytogenetic location: 15q26.1.
Variant type: single nucleotide variant.
Coding change: c.1664C>T on transcript NM_018671.5 (MANE Select); coding-DNA position 1664, C replaced by T.
Protein change: p.Thr555Ile; replaces threonine 555 with isoleucine.
Molecular consequence: missense variant.
Genome position (GRCh38, 1-based): chr15:90,948,210, C>T. VCF-style: chr15-90948210-C-T. GRCh37 (hg19) VCF-style: chr15-91491440-C-T.
Other names: c.1619C>T, p.Thr540Ile (NM_001039675.2, NM_001323621.2); c.1664C>T, p.Thr555Ile (NM_001323619.1); c.1229C>T, p.Thr410Ile (NM_001323620.2); c.1664C>T (NM_018671.3); short protein forms T540I, T555I, T410I.
Identifiers: ClinVar variation 1378178 (VCV001378178.4), dbSNP rs200413252, ClinGen allele CA7743007.
Genomic context (GRCh38, chr15:90,948,210, plus strand): 5'-GCAATGACCAGATCGACGCAGGCACTCGGCGCTGGGCAGTGGAGGGCCTGGCTTACCTGA[C>T]CTTTGATGCCGACGTGAAGGAAGAGTTTGTGGAGGATGCGGCTGCTCTGAAAGCTCTGTT-3'
Protein context (NP_061141.2, residues 545-565): RWAVEGLAYL[Thr555Ile]FDADVKEEFV